The following is an entry in ClinVar:

NM_001852.4(COL9A2):c.1150A>T (p.Met384Leu)

Gene: COL9A2 (collagen type IX alpha 2 chain; minus strand). Cytogenetic location: 1p34.2.
Variant type: single nucleotide variant.
Coding change: c.1150A>T on transcript NM_001852.4 (MANE Select); coding-DNA position 1150, A replaced by T.
Protein change: p.Met384Leu; replaces methionine 384 with leucine.
Molecular consequence: missense variant.
Genome position (GRCh38, 1-based): chr1:40,304,805, T>A on the plus strand (A>T on the coding strand, the complement: COL9A2 is on the minus strand). VCF-style: chr1-40304805-T-A. GRCh37 (hg19) VCF-style: chr1-40770477-T-A.
Other names: short protein forms M384L.
Identifiers: ClinVar variation 1417590 (VCV001417590.6), dbSNP rs145327896, ClinGen allele CA339850919.

ClinVar aggregate classification (germline): Uncertain significance (1 of 4 stars; one submission).

gnomAD v4.1: 16 of 1,550,808 alleles (0.001%); highest among the groups gnomAD compares: African/African-American, 0.0014%; no homozygotes.

Submission:

Labcorp Genetics (formerly Invitae), Labcorp
Classification: Uncertain significance. Last evaluated: 2025-07-15. Review status: criteria provided, single submitter. Criteria: Invitae Variant Classification Sherloc (09022015). Collection method: clinical testing. Allele origin: germline.
Comment: This sequence change replaces methionine, which is neutral and non-polar, with leucine, which is neutral and non-polar, at codon 384 of the COL9A2 protein (p.Met384Leu). This variant is not present in population databases (gnomAD no frequency). This variant has not been reported in the literature in individuals affected with COL9A2-related conditions. ClinVar contains an entry for this variant (Variation ID: 1417590). Invitae Evidence Modeling of protein sequence and biophysical properties (such as structural, functional, and spatial information, amino acid conservation, physicochemical variation, residue mobility, and thermodynamic stability) indicates that this missense variant is not expected to disrupt COL9A2 protein function with a negative predictive value of 95%. In summary, the available evidence is currently insufficient to determine the role of this variant in disease. Therefore, it has been classified as a Variant of Uncertain Significance.